The following is an entry in ClinVar:

NM_001258392.3(CLPB):c.1457T>C (p.Met486Thr)

Gene: CLPB (ClpB family mitochondrial disaggregase; minus strand). Cytogenetic location: 11q13.4.
Variant type: single nucleotide variant.
Coding change: c.1457T>C on transcript NM_001258392.3 (MANE Select); coding-DNA position 1457, T replaced by C.
Protein change: p.Met486Thr; replaces methionine 486 with threonine.
Molecular consequence: missense variant.
Genome position (GRCh38, 1-based): chr11:72,295,521, A>G on the plus strand (T>C on the coding strand, the complement: CLPB is on the minus strand). VCF-style: chr11-72295521-A-G. GRCh37 (hg19) VCF-style: chr11-72006565-A-G.
Other names: c.1370T>C, p.Met457Thr (NM_001258393.3); c.1412T>C, p.Met471Thr (NM_001258394.3); c.1547T>C, p.Met516Thr (NM_030813.6); short protein forms M471T, M516T, M486T, M457T.
Identifiers: ClinVar variation 3652209 (VCV003652209.2).

ClinVar aggregate classification (germline): Uncertain significance (1 of 4 stars; one submission).

Conditions:
3-methylglutaconic aciduria, type VIIB (MGCA7B). Also called: 3-methylglutaconic aciduria, type VII, with cataracts, neurologic involvement and neutropenia; CLPB Deficiency; 3-methylglutaconic aciduria with cataracts, neurologic involvement and neutropenia. Identifiers: Orphanet 445038, MedGen C5676893, MONDO:0014561, OMIM 616271.

Submission:

Labcorp Genetics (formerly Invitae), Labcorp
Classification: Uncertain significance for 3-methylglutaconic aciduria, type VIIB. Last evaluated: 2024-05-05. Review status: criteria provided, single submitter. Criteria: Invitae Variant Classification Sherloc (09022015). Collection method: clinical testing. Allele origin: germline.
Comment: This sequence change replaces methionine, which is neutral and non-polar, with threonine, which is neutral and polar, at codon 516 of the CLPB protein (p.Met516Thr). This variant is not present in population databases (gnomAD no frequency). This variant has not been reported in the literature in individuals affected with CLPB-related conditions. An algorithm developed to predict the effect of missense changes on protein structure and function (PolyPhen-2) suggests that this variant is likely to be tolerated. In summary, the available evidence is currently insufficient to determine the role of this variant in disease. Therefore, it has been classified as a Variant of Uncertain Significance.